The following is an entry in ClinVar:

ClinVar aggregate classification (germline): Pathogenic (1 of 4 stars; one submission).

Submission:

Labcorp Genetics (formerly Invitae), Labcorp
Classification: Pathogenic. Last evaluated: 2022-11-12. Review status: criteria provided, single submitter. Criteria: Invitae Variant Classification Sherloc (09022015). Collection method: clinical testing. Allele origin: germline.
Comment: This variant has not been reported in the literature in individuals affected with MUT-related conditions. For these reasons, this variant has been classified as Pathogenic. This sequence change creates a premature translational stop signal (p.Ile242Metfs*40) in the MUT gene. It is expected to result in an absent or disrupted protein product. Loss-of-function variants in MUT are known to be pathogenic (PMID: 15781192). This variant is not present in population databases (gnomAD no frequency).

Literature cited by the submitters: PubMed 15781192.

NM_000255.4(MMUT):c.726del (p.Ile242fs)

Gene: MMUT (methylmalonyl-CoA mutase; minus strand). Cytogenetic location: 6p12.3.
Variant type: Deletion.
Coding change: c.726del on transcript NM_000255.4 (MANE Select); coding-DNA position 726, one base deleted (T; older notation c.726delT).
Protein change: p.Ile242fs; shifts the reading frame from isoleucine 242.
Molecular consequence: frameshift variant.
Genome position (GRCh38, 1-based): chr6:49,457,718, A deleted on the plus strand (T on the coding strand, the reverse complement: MMUT is on the minus strand); the first of 2 consecutive A bases (chr6:49,457,718-49,457,719); deleting either gives the same sequence. VCF-style (leftmost placement, unchanged base first): chr6-49457717-CA-C. GRCh37 (hg19) VCF-style: chr6-49425430-CA-C.
Other names: short protein forms I242fs.
Identifiers: ClinVar variation 2813748 (VCV002813748.3), dbSNP rs2481346423, ClinGen allele CA2739273134.
Genomic context (GRCh38, chr6:49,457,717, plus strand): 5'-CTATAGAAAAACCTATAATAACCACAAAGTATACCTTTGCTGTATATTCAAATATGTCAG[CA>C]ATAATTTTCATGGATGGTTCTGGAGGAAAAATGTATGTATTTCGAACCATAAATTCCTTT-3'